The following is an entry in ClinVar:

ClinVar aggregate classification (germline): Uncertain significance (1 of 4 stars; one submission).

Allele frequency attached by ClinVar (database versions not stated): gnomAD exomes 0.00004 and 0.00010; gnomAD 0.00006; ExAC 0.00007; TOPMed 0.00007.

Submission:

Labcorp Genetics (formerly Invitae), Labcorp
Classification: Uncertain significance. Last evaluated: 2026-01-22. Review status: criteria provided, single submitter. Criteria: Invitae Variant Classification Sherloc (09022015). Collection method: clinical testing. Allele origin: germline.
Comment: This sequence change replaces alanine, which is neutral and non-polar, with valine, which is neutral and non-polar, at codon 158 of the ARPC1B protein (p.Ala158Val). This variant is present in population databases (rs751393805, gnomAD 0.2%). This variant has not been reported in the literature in individuals affected with ARPC1B-related conditions. ClinVar contains an entry for this variant (Variation ID: 1413079). Invitae Evidence Modeling of protein sequence and biophysical properties (such as structural, functional, and spatial information, amino acid conservation, physicochemical variation, residue mobility, and thermodynamic stability) indicates that this missense variant is not expected to disrupt ARPC1B protein function with a negative predictive value of 80%. In summary, the available evidence is currently insufficient to determine the role of this variant in disease. Therefore, it has been classified as a Variant of Uncertain Significance.

NM_005720.4(ARPC1B):c.473C>T (p.Ala158Val)

Gene: ARPC1B (actin related protein 2/3 complex subunit 1B; plus strand). Cytogenetic location: 7q22.1.
Variant type: single nucleotide variant.
Coding change: c.473C>T on transcript NM_005720.4 (MANE Select); coding-DNA position 473, C replaced by T.
Protein change: p.Ala158Val; replaces alanine 158 with valine.
Molecular consequence: missense variant.
Genome position (GRCh38, 1-based): chr7:99,389,985, C>T. VCF-style: chr7-99389985-C-T. GRCh37 (hg19) VCF-style: chr7-98987608-C-T.
Other names: short protein forms A158V.
Identifiers: ClinVar variation 1413079 (VCV001413079.4), dbSNP rs751393805, ClinGen allele CA4364018.